The following is an entry in ClinVar:

NM_001267727.2(ARSG):c.1381G>A (p.Asp461Asn)

Genes: ARSG (arylsulfatase G; plus strand), PRKAR1A (protein kinase cAMP-dependent type I regulatory subunit alpha; plus strand). Cytogenetic location: 17q24.2.
Variant type: single nucleotide variant.
Coding change: c.1381G>A on transcript NM_001267727.2 (MANE Select); coding-DNA position 1381, G replaced by A.
Protein change: p.Asp461Asn; replaces aspartic acid 461 with asparagine.
Molecular consequence: missense variant. On other transcripts: intron variant (3).
Genome position (GRCh38, 1-based): chr17:68,420,266, G>A. VCF-style: chr17-68420266-G-A. GRCh37 (hg19) VCF-style: chr17-66416407-G-A.
Other names: c.1381G>A, p.Asp461Asn (NM_001352899.2, NM_001352900.2, NM_001352901.2 and 2 more transcripts); c.1378G>A, p.Asp460Asn (NM_001352903.2, NM_001352904.2, NM_001352905.2 and 2 more transcripts); c.1303+18816G>A (NM_001352910.2); c.1255+18816G>A (NM_001352909.2); c.-7+6471G>A (NM_001278433.2); short protein forms D460N, D461N.
Identifiers: ClinVar variation 1052317 (VCV001052317.48), dbSNP rs1396446777, ClinGen allele CA400748992.

ClinVar aggregate classification (germline): Uncertain significance. Review status: criteria provided, multiple submitters, no conflicts (2 of 4 stars). 2 submissions from 2 submitters: Uncertain significance (2). Last evaluated 2024-07-09.

Allele frequency attached by ClinVar (database versions not stated): gnomAD exomes 0.00001.
gnomAD v4.1: 5 of 1,614,152 alleles (0.00031%); highest among the groups gnomAD compares: Admixed American, 0.0033%; no homozygotes.

Submissions (2):

Ambry Genetics
Classification: Uncertain significance. Last evaluated: 2024-07-09. Review status: criteria provided, single submitter. Criteria: Ambry Variant Classification Scheme 2023. Collection method: clinical testing. Allele origin: germline.

Labcorp Genetics (formerly Invitae), Labcorp
Classification: Uncertain significance. Last evaluated: 2022-08-22. Review status: criteria provided, single submitter. Criteria: Invitae Variant Classification Sherloc (09022015). Collection method: clinical testing. Allele origin: germline.
Comment: In summary, the available evidence is currently insufficient to determine the role of this variant in disease. Therefore, it has been classified as a Variant of Uncertain Significance. Algorithms developed to predict the effect of missense changes on protein structure and function output the following: SIFT: "Deleterious"; PolyPhen-2: "Benign"; Align-GVGD: "Class C0". The asparagine amino acid residue is found in multiple mammalian species, which suggests that this missense change does not adversely affect protein function. ClinVar contains an entry for this variant (Variation ID: 1052317). This variant has not been reported in the literature in individuals affected with ARSG-related conditions. This variant is present in population databases (no rsID available, gnomAD 0.006%). This sequence change replaces aspartic acid, which is acidic and polar, with asparagine, which is neutral and polar, at codon 461 of the ARSG protein (p.Asp461Asn).